The following is an entry in ClinVar:

ClinVar aggregate classification (germline): Uncertain significance (1 of 4 stars; one submission).

Conditions:
Nemaline myopathy 2 (NEM2). Also called: Nemaline myopathy 2, autosomal recessive. Identifiers: MedGen C1850569, MONDO:0009725, OMIM 256030.

Submission:

Labcorp Genetics (formerly Invitae), Labcorp
Classification: Uncertain significance for Nemaline myopathy 2. Last evaluated: 2022-01-26. Review status: criteria provided, single submitter. Criteria: Invitae Variant Classification Sherloc (09022015). Collection method: clinical testing. Allele origin: germline.
Comment: This variant has not been reported in the literature in individuals affected with NEB-related conditions. This variant is not present in population databases (gnomAD no frequency). This sequence change replaces threonine, which is neutral and polar, with isoleucine, which is neutral and non-polar, at codon 6739 of the NEB protein (p.Thr6739Ile). Algorithms developed to predict the effect of missense changes on protein structure and function are either unavailable or do not agree on the potential impact of this missense change (SIFT: "Deleterious"; PolyPhen-2: "Not Available"; Align-GVGD: "Class C0"). In summary, the available evidence is currently insufficient to determine the role of this variant in disease. Therefore, it has been classified as a Variant of Uncertain Significance.

NM_001164508.2(NEB):c.20216C>T (p.Thr6739Ile)

Gene: NEB (nebulin; minus strand). Cytogenetic location: 2q23.3.
Variant type: single nucleotide variant.
Coding change: c.20216C>T on transcript NM_001164508.2 (MANE Select); coding-DNA position 20216, C replaced by T.
Protein change: p.Thr6739Ile; replaces threonine 6739 with isoleucine.
Molecular consequence: missense variant.
Genome position (GRCh38, 1-based): chr2:151,547,680, G>A on the plus strand (C>T on the coding strand, the complement: NEB is on the minus strand). VCF-style: chr2-151547680-G-A. GRCh37 (hg19) VCF-style: chr2-152404194-G-A.
Other names: c.20216C>T, p.Thr6739Ile (NM_001164507.2, NM_001271208.2); c.15113C>T, p.Thr5038Ile (NM_004543.5); short protein forms T5038I, T6739I.
Identifiers: ClinVar variation 1973156 (VCV001973156.5), dbSNP rs1187325533, ClinGen allele CA348783838.
Genomic context (GRCh38, chr2:151,547,680, plus strand): 5'-AAGAAAATACCCACCTCACTGACAGCCTCTTGTGTCTTCTTGACTTGGCGGATCTCAGGG[G>A]TATCGGGAGTTGTATGGATCTTGTCTTTCAGTTTGTGGTACAATTCCCGATACAGTCTCT-3'
Protein context (NP_001157980.2, residues 6729-6749): LKDKIHTTPD[Thr6739Ile]PEIRQVKKTQ